The following is an entry in ClinVar:

NM_001625.4(AK2):c.296A>G (p.Asp99Gly)

Gene: AK2 (adenylate kinase 2; minus strand). Cytogenetic location: 1p35.1.
Variant type: single nucleotide variant.
Coding change: c.296A>G on transcript NM_001625.4 (MANE Select); coding-DNA position 296, A replaced by G.
Protein change: p.Asp99Gly; replaces aspartic acid 99 with glycine.
Molecular consequence: missense variant. On other transcripts: non-coding transcript variant (1).
Genome position (GRCh38, 1-based): chr1:33,021,627, T>C on the plus strand (A>G on the coding strand, the complement: AK2 is on the minus strand). VCF-style: chr1-33021627-T-C. GRCh37 (hg19) VCF-style: chr1-33487228-T-C.
Other names: c.296A>G, p.Asp99Gly (NM_001199199.3, NM_001319141.3, NM_001319143.2 and 1 more transcripts); c.152A>G, p.Asp51Gly (NM_001319139.3, NM_001319140.2); c.170A>G, p.Asp57Gly (NM_001319142.3); short protein forms D57G, D99G, D51G.
Identifiers: ClinVar variation 4769079 (VCV004769079.1).

ClinVar aggregate classification (germline): Uncertain significance (1 of 4 stars; one submission).

Conditions:
Reticular dysgenesis. Also called: ALEUKOCYTOSIS; CONGENITAL ALEUKIA; HEMATOPOIETIC HYPOPLASIA, GENERALIZED; RETICULAR DYSGENESIA; SEVERE COMBINED IMMUNODEFICIENCY WITH LEUKOPENIA; DeVaal disease. Identifiers: Orphanet 33355, MedGen C0272167, MONDO:0009973, OMIM 267500.

gnomAD v4.1: 2 of 1,614,040 alleles (0.00012%); highest among the groups gnomAD compares: Admixed American, 0.0017%; no homozygotes.

Submission:

Labcorp Genetics (formerly Invitae), Labcorp
Classification: Uncertain significance for Reticular dysgenesis. Last evaluated: 2025-04-08. Review status: criteria provided, single submitter. Criteria: Invitae Variant Classification Sherloc (09022015). Collection method: clinical testing. Allele origin: germline.
Comment: This sequence change replaces aspartic acid, which is acidic and polar, with glycine, which is neutral and non-polar, at codon 99 of the AK2 protein (p.Asp99Gly). This variant is present in population databases (rs770602966, gnomAD 0.0009%). This variant has not been reported in the literature in individuals affected with AK2-related conditions. An algorithm developed to predict the effect of missense changes on protein structure and function (PolyPhen-2) suggests that this variant is likely to be disruptive. In summary, the available evidence is currently insufficient to determine the role of this variant in disease. Therefore, it has been classified as a Variant of Uncertain Significance.